The following is an entry in ClinVar:

ClinVar aggregate classification (germline): Uncertain significance (1 of 4 stars; one submission).

gnomAD v4.1: 5 of 1,612,916 alleles (0.00031%); highest among the groups gnomAD compares: Non-Finnish European, 0.00042%; no homozygotes.

Submission:

Labcorp Genetics (formerly Invitae), Labcorp
Classification: Uncertain significance. Last evaluated: 2026-01-26. Review status: criteria provided, single submitter. Criteria: Invitae Variant Classification Sherloc (09022015). Collection method: clinical testing. Allele origin: germline.
Comment: This sequence change replaces isoleucine, which is neutral and non-polar, with valine, which is neutral and non-polar, at codon 170 of the CFB protein (p.Ile170Val). This variant is present in population databases (no rsID available, gnomAD 0.007%). This variant has not been reported in the literature in individuals affected with CFB-related conditions. Invitae Evidence Modeling of protein sequence and biophysical properties (such as structural, functional, and spatial information, amino acid conservation, physicochemical variation, residue mobility, and thermodynamic stability) indicates that this missense variant is not expected to disrupt CFB protein function with a negative predictive value of 80%. In summary, the available evidence is currently insufficient to determine the role of this variant in disease. Therefore, it has been classified as a Variant of Uncertain Significance.

NM_001710.6(CFB):c.508A>G (p.Ile170Val)

Gene: CFB (complement factor B; plus strand). Cytogenetic location: 6p21.33.
Variant type: single nucleotide variant.
Coding change: c.508A>G on transcript NM_001710.6 (MANE Select); coding-DNA position 508, A replaced by G.
Protein change: p.Ile170Val; replaces isoleucine 170 with valine.
Molecular consequence: missense variant.
Genome position (GRCh38, 1-based): chr6:31,947,371, A>G. VCF-style: chr6-31947371-A-G. GRCh37 (hg19) VCF-style: chr6-31915148-A-G.
Other names: short protein forms I170V.
Identifiers: ClinVar variation 4740275 (VCV004740275.1).